The following is an entry in ClinVar:

NM_020843.4(SCAPER):c.3932C>T (p.Pro1311Leu)

Gene: SCAPER (S-phase cyclin A associated protein in the ER; minus strand). Cytogenetic location: 15q24.3.
Variant type: single nucleotide variant.
Coding change: c.3932C>T on transcript NM_020843.4 (MANE Select); coding-DNA position 3932, C replaced by T.
Protein change: p.Pro1311Leu; replaces proline 1311 with leucine.
Molecular consequence: missense variant. On other transcripts: non-coding transcript variant (1).
Genome position (GRCh38, 1-based): chr15:76,354,064, G>A on the plus strand (C>T on the coding strand, the complement: SCAPER is on the minus strand). VCF-style: chr15-76354064-G-A. GRCh37 (hg19) VCF-style: chr15-76646405-G-A.
Other names: c.3194C>T, p.Pro1065Leu (NM_001145923.2); c.3950C>T, p.Pro1317Leu (NM_001353009.2); c.3530C>T, p.Pro1177Leu (NM_001353010.2, NM_001353012.2); c.3548C>T, p.Pro1183Leu (NM_001353011.2); short protein forms P1177L, P1183L, P1065L, P1317L, P1311L.
Identifiers: ClinVar variation 4991599 (VCV004991599.1).

ClinVar aggregate classification (germline): Uncertain significance (1 of 4 stars; one submission).

Conditions:
SCAPER-related disorder. Also called: SCAPER-related condition.

gnomAD v4.1: 4 of 1,610,920 alleles (0.00025%); highest among the groups gnomAD compares: Non-Finnish European, 0.00034%; no homozygotes.

Submission:

PreventionGenetics, part of Exact Sciences
Classification: Uncertain significance for SCAPER-related condition. Last evaluated: 2026-01-15. Review status: criteria provided, single submitter. Criteria: ACMG Guidelines, 2015. Collection method: clinical testing. Allele origin: germline.
Comment: The SCAPER c.3950C>T variant is predicted to result in the amino acid substitution p.Pro1317Leu. To our knowledge, this variant has not been reported in the literature. This variant is reported in 0.00089% of alleles in individuals of European (Non-Finnish) descent in gnomAD. At this time, the clinical significance of this variant is uncertain due to the absence of conclusive functional and genetic evidence.